The following is an entry in ClinVar:

ClinVar aggregate classification (germline): Uncertain significance (1 of 4 stars; one submission).

Conditions:
Sudden cardiac death (SCD). Also called: Sudden adult death syndrome. Identifiers: MedGen C0085298, MeSH D016757, HP:0001645.

Submission:

Center for Human Genetics, University of Leuven
Classification: Uncertain significance for Sudden cardiac death. Last evaluated: 2017-02-09. Review status: criteria provided, single submitter. Criteria: ACMG Guidelines, 2015. Collection method: clinical testing. Allele origin: germline. Inheritance: Autosomal dominant inheritance. Affected: yes. Observed: 2 variant alleles.
Comment: ACMG score unknown significance

NM_001035.3(RYR2):c.14650A>G (p.Met4884Val)

Gene: RYR2 (ryanodine receptor 2; plus strand). Cytogenetic location: 1q43.
Variant type: single nucleotide variant.
Coding change: c.14650A>G on transcript NM_001035.3 (MANE Select); coding-DNA position 14650, A replaced by G.
Protein change: p.Met4884Val; replaces methionine 4884 with valine.
Molecular consequence: missense variant.
Genome position (GRCh38, 1-based): chr1:237,828,440, A>G. VCF-style: chr1-237828440-A-G. GRCh37 (hg19) VCF-style: chr1-237991740-A-G.
Other names: c.14650A>G, p.Met4884Val (LRG_402t1); short protein forms M4884V.
Identifiers: ClinVar variation 427951 (VCV000427951.2), dbSNP rs1553341966, ClinGen allele CA345429469.